The following is an entry in ClinVar:

NM_170675.5(MEIS2):c.676T>G (p.Ser226Ala)

Gene: MEIS2 (Meis homeobox 2; minus strand). Cytogenetic location: 15q14.
Variant type: single nucleotide variant.
Coding change: c.676T>G on transcript NM_170675.5 (MANE Select); coding-DNA position 676, T replaced by G.
Protein change: p.Ser226Ala; replaces serine 226 with alanine.
Molecular consequence: missense variant. On other transcripts: non-coding transcript variant (1).
Genome position (GRCh38, 1-based): chr15:37,083,849, A>C on the plus strand (T>G on the coding strand, the complement: MEIS2 is on the minus strand). VCF-style: chr15-37083849-A-C. GRCh37 (hg19) VCF-style: chr15-37376050-A-C.
Other names: c.676T>G, p.Ser226Ala (NM_001220482.2, NM_170674.5, NM_170676.5 and 1 more transcripts); c.637T>G, p.Ser213Ala (NM_002399.4, NM_172315.3); c.412T>G, p.Ser138Ala (NM_172316.3); c.676T>G (NM_170674.4); short protein forms S138A, S213A, S226A.
Identifiers: ClinVar variation 4053756 (VCV004053756.2).

ClinVar aggregate classification (germline): Uncertain significance. Review status: criteria provided, multiple submitters, no conflicts (2 of 4 stars). 2 submissions from 2 submitters: Uncertain significance (2). Last evaluated 2025-05-14.

Conditions:
MEIS2-related disorder.
Inborn genetic diseases. Identifiers: MedGen C0950123, MeSH D030342.

Submissions (2):

Ambry Genetics
Classification: Uncertain significance for Inborn genetic diseases. Last evaluated: 2025-05-14. Review status: criteria provided, single submitter. Criteria: Ambry Variant Classification Scheme 2023. Collection method: clinical testing. Allele origin: germline.

PreventionGenetics, part of Exact Sciences
Classification: Uncertain significance for MEIS2-related condition. Last evaluated: 2024-12-31. Review status: criteria provided, single submitter. Criteria: ACMG Guidelines, 2015. Collection method: clinical testing. Allele origin: germline.
Comment: The MEIS2 c.676T>G variant is predicted to result in the amino acid substitution p.Ser226Ala. To our knowledge, this variant has not been reported in the literature or in a large population database (gnomAD), indicating this variant is rare. At this time, the clinical significance of this variant is uncertain due to the absence of conclusive functional and genetic evidence.